The following is an entry in ClinVar:

ClinVar aggregate classification (germline): Uncertain significance (1 of 4 stars; one submission).

Conditions:
Cardiovascular phenotype. Identifiers: MedGen CN230736.

gnomAD v4.1: 2 of 1,550,228 alleles (0.00013%); highest among the groups gnomAD compares: Non-Finnish European, 0.000087%; no homozygotes.

Submission:

Ambry Genetics
Classification: Uncertain significance for Cardiovascular phenotype. Last evaluated: 2025-05-10. Review status: criteria provided, single submitter. Criteria: Ambry Variant Classification Scheme 2023. Collection method: clinical testing. Allele origin: germline.
Comment: The p.P2030S variant (also known as c.6088C>T), located in coding exon 2 of the ZNF469 gene, results from a C to T substitution at nucleotide position 6088. The proline at codon 2030 is replaced by serine, an amino acid with similar properties. This amino acid position is conserved. In addition, this alteration is predicted to be tolerated by in silico analysis. Based on the available evidence, the clinical significance of this variant remains unclear.

NM_001367624.2(ZNF469):c.6172C>T (p.Pro2058Ser)

Gene: ZNF469 (zinc finger protein 469; plus strand). Cytogenetic location: 16q24.2.
Variant type: single nucleotide variant.
Coding change: c.6172C>T on transcript NM_001367624.2 (MANE Select); coding-DNA position 6172, C replaced by T.
Protein change: p.Pro2058Ser; replaces proline 2058 with serine.
Molecular consequence: missense variant.
Genome position (GRCh38, 1-based): chr16:88,433,642, C>T. VCF-style: chr16-88433642-C-T. GRCh37 (hg19) VCF-style: chr16-88500050-C-T.
Other names: NM_001127464.1:c.6088C>T; short protein forms P2058S.
Identifiers: ClinVar variation 3987343 (VCV003987343.1).